The following is an entry in ClinVar:

NM_001378452.1(ITPR1):c.4991+6C>T

Genes: BRRIAR (BHLHE40 and RIG-I regulating ITPR1 antisense RNA; minus strand), ITPR1 (inositol 1,4,5-trisphosphate receptor type 1; plus strand). Cytogenetic location: 3p26.1.
Variant type: single nucleotide variant.
Coding change: c.4991+6C>T on transcript NM_001378452.1 (MANE Select); 6 bases into the intron after coding-DNA position 4991, C replaced by T.
Molecular consequence: intron variant.
Genome position (GRCh38, 1-based): chr3:4,710,479, C>T. VCF-style: chr3-4710479-C-T. GRCh37 (hg19) VCF-style: chr3-4752163-C-T.
Other names: c.4964+6C>T (NM_001099952.4); c.4946+6C>T (NM_001168272.2); c.4919+6C>T (NM_002222.7).
Identifiers: ClinVar variation 4708906 (VCV004708906.1).
Genomic context (GRCh38, chr3:4,710,479, plus strand): 5'-TCCCAGAGAACACAGACGCCAGAAGGAAATGTGAAAGTGGCGGTTTCATTTGCAAGTAAG[C>T]GGCCTCTCTCTCTGGGGTGTTCATTTGCCAGAACCTTGATGACCTCACAAAGCTTTTGTT-3'

ClinVar aggregate classification (germline): Uncertain significance (1 of 4 stars; one submission).

gnomAD v4.1: 11 of 1,551,970 alleles (0.00071%); highest among the groups gnomAD compares: South Asian, 0.0071%; no homozygotes.

Submission:

Labcorp Genetics (formerly Invitae), Labcorp
Classification: Uncertain significance. Last evaluated: 2025-12-01. Review status: criteria provided, single submitter. Criteria: Invitae Variant Classification Sherloc (09022015). Collection method: clinical testing. Allele origin: germline.
Comment: This sequence change falls in intron 37 of the ITPR1 gene. It does not directly change the encoded amino acid sequence of the ITPR1 protein. It affects a nucleotide within the consensus splice site. The frequency data for this variant in the population databases is considered unreliable, as metrics indicate poor data quality at this position in the gnomAD database. This variant has not been reported in the literature in individuals affected with ITPR1-related conditions. Variants that disrupt the consensus splice site are a relatively common cause of aberrant splicing (PMID: 17576681, 9536098). Algorithms developed to predict the effect of sequence changes on RNA splicing suggest that this variant is not likely to affect RNA splicing. In summary, the available evidence is currently insufficient to determine the role of this variant in disease. Therefore, it has been classified as a Variant of Uncertain Significance.

Literature cited by the submitters: PubMed 17576681; PubMed 9536098.